The following is an entry in ClinVar:

ClinVar aggregate classification (germline): Uncertain significance (1 of 4 stars; one submission).

Conditions:
Frontotemporal dementia (FTD1). Also called: Frontotemporal lobe dementia (FLDEM); FRONTOTEMPORAL LOBAR DEGENERATION WITH TAU INCLUSIONS; FTLD WITH TAU INCLUSIONS; FRONTOTEMPORAL DEMENTIA WITH PARKINSONISM; FRONTOTEMPORAL LOBE DEMENTIA; MULTIPLE SYSTEM TAUOPATHY WITH PRESENILE DEMENTIA. Identifiers: Orphanet 282, MedGen C0338451, MONDO:0017276, OMIM 600274, HP:0002145.

Submission:

3billion
Classification: Uncertain significance for Frontotemporal dementia. Last evaluated: 2025-05-27. Review status: criteria provided, single submitter. Criteria: ACMG Guidelines, 2015. Collection method: clinical testing. Allele origin: germline. Affected: yes.
Comment: The variant is observed at an extremely low frequency in the gnomAD v4.1.0 dataset (total allele frequency: <0.001%). Predicted Consequence/Location: Frameshift: predicted to result in a loss or disruption of normal protein function through nonsense-mediated decay (NMD) or protein truncation. Multiple pathogenic variants are reported downstream of the variant. Therefore, this variant is classified as VUS according to the recommendation of ACMG/AMP guideline.

NM_001377265.1(MAPT):c.502del (p.Gln168fs)

Gene: MAPT (microtubule associated protein tau). Cytogenetic location: 17q21.31.
Variant type: Deletion.
Coding change: c.502del on transcript NM_001377265.1 (MANE Select); coding-DNA position 502, one base deleted.
Protein change: p.Gln168fs; shifts the reading frame from glutamine 168.
Molecular consequence: frameshift variant. On other transcripts: intron variant (10).
Genome position: GRCh38 VCF-style: chr17-45983080-TC-T. GRCh37 (hg19) VCF-style: chr17-44060446-TC-T.
Other names: c.502del, p.Gln168fs (NM_001377266.1); c.200-3959del (NM_001377268.1, NM_016834.5, NM_016841.5); c.374-97del (NM_001123066.4, NM_016835.5); c.374-3959del (NM_005910.6, NM_001203252.2); c.287-3959del (NM_001123067.4, NM_001203251.2, NM_001377267.1); short protein forms Q168fs.
Identifiers: ClinVar variation 4855801 (VCV004855801.1).
Genomic context (GRCh38, chr17:45,983,080, plus strand): 5'-GACCGCGAGCCTTCCTCAGCACCGTCCCGTTTGCCCAGCGCCTCCTCCAACAGGAGGCCC[TC>T]AGGAGCCCTCCCTGGAGTGGGGACAAAAAGGCGGGGACTGGGCCGAGAAGGGTCCGGCCT-3'